The following is an entry in ClinVar:

ClinVar aggregate classification (germline): Uncertain significance. Review status: criteria provided, multiple submitters, no conflicts (2 of 4 stars). 2 submissions from 2 submitters: Uncertain significance (2). Last evaluated 2025-04-23.

Conditions:
TTN-related disorder. Also called: TTN-related condition; TTN-related disease; TTN-related disorders.
Autosomal recessive limb-girdle muscular dystrophy type 2J (LGMDR10). Also called: Limb-girdle muscular dystrophy, type 2J; MUSCULAR DYSTROPHY, LIMB-GIRDLE, AUTOSOMAL RECESSIVE 10. Identifiers: Orphanet 140922, MedGen C1837342, MONDO:0012127, OMIM 608807.
Dilated cardiomyopathy 1G (CMD1G). Identifiers: Orphanet 154, MedGen C1858763, MONDO:0011400, OMIM 604145.

Allele frequency attached by ClinVar (database versions not stated): gnomAD 0.00001 and 0.00002; gnomAD exomes 0.00001 and 0.00002; ExAC 0.00003; TOPMed 0.00003; ESP Exome Variant Server 0.00008; 1000 Genomes Project 30x 0.00031; 1000 Genomes Project 0.00040.

Submissions (2):

PreventionGenetics, part of Exact Sciences
Classification: Uncertain significance for TTN-related condition. Last evaluated: 2025-04-23. Review status: criteria provided, single submitter. Criteria: ACMG Guidelines, 2015. Collection method: clinical testing. Allele origin: germline.
Comment: The TTN c.61814T>C variant is predicted to result in the amino acid substitution p.Ile20605Thr. To our knowledge, this variant has not been reported in the literature. This variant is reported in 0.017% of alleles in individuals of East Asian descent in gnomAD. Another variant affecting the same amino acid, p.Ile20605Val, has been reported in the compound heterozygous state with a TTN nonsense variant in a patient with TTN-related myopathy (Perić et al 2017. PubMed ID: 28295036). At this time, the clinical significance of the c.61814T>C (p.Ile20605Thr) variant is uncertain due to the absence of conclusive functional and genetic evidence.

Labcorp Genetics (formerly Invitae), Labcorp
Classification: Uncertain significance for Dilated cardiomyopathy 1G; Autosomal recessive limb-girdle muscular dystrophy type 2J. Last evaluated: 2017-05-12. Review status: criteria provided, single submitter. Criteria: Invitae Variant Classification Sherloc (09022015). Collection method: clinical testing. Allele origin: germline.

NM_001267550.2(TTN):c.61814T>C (p.Ile20605Thr)

Genes: TTN-AS1 (TTN antisense RNA 1; plus strand), TTN (titin; minus strand). Cytogenetic location: 2q31.2.
Variant type: single nucleotide variant.
Coding change: c.61814T>C on transcript NM_001267550.2 (MANE Select); coding-DNA position 61814, T replaced by C.
Protein change: p.Ile20605Thr; replaces isoleucine 20605 with threonine.
Molecular consequence: missense variant.
Genome position (GRCh38, 1-based): chr2:178,589,911, A>G on the plus strand (T>C on the coding strand, the complement: TTN is on the minus strand). VCF-style: chr2-178589911-A-G. GRCh37 (hg19) VCF-style: chr2-179454638-A-G.
Other names: c.56891T>C, p.Ile18964Thr (NM_001256850.1); c.34619T>C, p.Ile11540Thr (NM_003319.4); c.54110T>C, p.Ile18037Thr (NM_133378.4); c.34994T>C, p.Ile11665Thr (NM_133432.3); c.35195T>C, p.Ile11732Thr (NM_133437.4); short protein forms I20605T, I11540T, I11665T, I11732T, I18037T, I18964T.
Identifiers: ClinVar variation 467340 (VCV000467340.4), dbSNP rs140252432, ClinGen allele CA1992305.
Genomic context (GRCh38, chr2:178,589,911, plus strand): 5'-TTAGTGACATCTGATGCAACAATTGACCAGCCTTTCTGGTTTGGTTTGCGATATTCTACT[A>G]TGAAGTTTGTTATTTCTGAGCCACCATTATCTAGTGGGTTTTCCCAAGAAATTGTACAGT-3'
Protein context (NP_001254479.2, residues 20595-20615): DNGGSEITNF[Ile20605Thr]VEYRKPNQKG